The following is an entry in ClinVar:

ClinVar aggregate classification (germline): Likely benign (0 of 4 stars; one submission).

Conditions:
MAP1B-related disorder. Also called: MAP1B-related condition.

Allele frequency attached by ClinVar (database versions not stated): gnomAD exomes 0.00005; ExAC 0.00008; 1000 Genomes Project 30x 0.00016; 1000 Genomes Project 0.00020; ESP Exome Variant Server 0.00023; TOPMed 0.00035; gnomAD 0.00048.
gnomAD v4.1: 156 of 1,614,116 alleles (0.0097%); highest among the groups gnomAD compares: African/African-American, 0.11%; no homozygotes.

Submission:

PreventionGenetics, part of Exact Sciences
Classification: Likely benign for MAP1B-related condition. Last evaluated: 2019-12-26. Review status: no assertion criteria provided. Collection method: clinical testing. Allele origin: germline.
Comment: This variant is classified as likely benign based on ACMG/AMP sequence variant interpretation guidelines (Richards et al. 2015 PMID: 25741868, with internal and published modifications).

NM_005909.5(MAP1B):c.5253C>T (p.Ser1751=)

Gene: MAP1B (microtubule associated protein 1B; plus strand). Cytogenetic location: 5q13.2.
Variant type: single nucleotide variant.
Coding change: c.5253C>T on transcript NM_005909.5 (MANE Select); coding-DNA position 5253, C replaced by T.
Protein change: p.Ser1751=; no amino-acid change (serine 1751 retained).
Molecular consequence: synonymous variant.
Genome position (GRCh38, 1-based): chr5:72,198,608, C>T. VCF-style: chr5-72198608-C-T. GRCh37 (hg19) VCF-style: chr5-71494435-C-T.
Other names: c.4875C>T, p.Ser1625= (NM_001324255.2).
Identifiers: ClinVar variation 3049168 (VCV003049168.2), dbSNP rs113052571, ClinGen allele CA3299298.
Genomic context (GRCh38, chr5:72,198,608, plus strand): 5'-CACCTCTTCTGCTCATACCCCTTCTCAGATCGCTTCTCCTCTCCAAGAAGATACTCTATC[C>T]GATGTTGCTCCTCCCAGAGATATGTCCTTATATGCCTCACTCACCTCTGAAAAAGTGCAA-3'
Protein context (NP_005900.2, residues 1741-1761): IASPLQEDTL[Ser1751=]DVAPPRDMSL